The following is an entry in ClinVar:

NC_000015.10:g.40529942_40562524del

Genes: CCDC32 (coiled-coil domain containing 32; minus strand), LOC130056854 (ATAC-STARR-seq lymphoblastoid silent region 6338; plus strand), LOC130056855 (ATAC-STARR-seq lymphoblastoid active region 9247; plus strand), LOC130056856 (ATAC-STARR-seq lymphoblastoid active region 9248; plus strand), LOC130056857 (ATAC-STARR-seq lymphoblastoid active region 9249; plus strand). Cytogenetic location: 15q15.1.
Variant type: Deletion.
Other names: 32.6-KB DEL.
Identifiers: ClinVar variation 1690313 (VCV001690313.2).

ClinVar aggregate classification (germline): Pathogenic. Review status: criteria provided, single submitter (1 of 4 stars). 2 submissions from 2 submitters: Pathogenic (1). 1 of the submissions does not count toward it. Last evaluated 2022-11-29.

Conditions:
Cardiofacioneurodevelopmental syndrome. Identifiers: MedGen C5436852, MONDO:0030873, OMIM 619123.

Submissions (2):

Clinical Genetics DNA and cytogenetics Diagnostics Lab, Erasmus MC, Erasmus Medical Center
Classification: Pathogenic for Cardiofacioneurodevelopmental syndrome. Last evaluated: 2022-11-29. Review status: criteria provided, single submitter. Criteria: ACMG Guidelines, 2015. Collection method: clinical testing. Allele origin: biparental, unknown. Inheritance: Autosomal recessive inheritance. Affected: yes and no. Observed: 2 heterozygotes, 2 homozygotes. Segregation with disease observed.
Comment: This 32 kB deletion including exon 3 and 4 of CCDC32 is described in literature, PMID: 35451546, in homozygous state in an individual with cardiofacioneurodevelopmental syndrome and now detected in two affected sibs in an unrelated family.

OMIM
Classification: Pathogenic for CARDIOFACIONEURODEVELOPMENTAL SYNDROME. Last evaluated: 2022-06-01. Review status: no assertion criteria provided. Collection method: literature only. Allele origin: germline. Not counted in ClinVar's aggregate classification.

Literature cited by the submitters: PubMed 35451546 (cited by Clinical Genetics DNA and cytogenetics Diagnostics Lab, Erasmus MC, Erasmus Medical Center and OMIM).